The following is an entry in ClinVar:

NM_001429.4(EP300):c.1634G>A (p.Ser545Asn)

Gene: EP300 (EP300 lysine acetyltransferase; plus strand). Cytogenetic location: 22q13.2.
Variant type: single nucleotide variant.
Coding change: c.1634G>A on transcript NM_001429.4 (MANE Select); coding-DNA position 1634, G replaced by A.
Protein change: p.Ser545Asn; replaces serine 545 with asparagine.
Molecular consequence: missense variant.
Genome position (GRCh38, 1-based): chr22:41,137,664, G>A. VCF-style: chr22-41137664-G-A. GRCh37 (hg19) VCF-style: chr22-41533668-G-A.
Other names: c.1634G>A, p.Ser545Asn (NM_001362843.2); c.1634G>A (NM_001429.3); short protein forms S545N.
Identifiers: ClinVar variation 1479175 (VCV001479175.7), dbSNP rs547550163, ClinGen allele CA10252586.
Genomic context (GRCh38, chr22:41,137,664, plus strand): 5'-CTTCTCCTACCTTTCTTCACTAAAACTATTTGGTGACCCCTTTTTGAAGCCCAATGATGA[G>A]TGAAAATGCCAGTGTGCCCTCCCTGGGTCCTATGCCAACAGCAGCTCAACCATCCACTAC-3'
Protein context (NP_001420.2, residues 535-555): SAINSQNPMM[Ser545Asn]ENASVPSLGP

ClinVar aggregate classification (germline): Benign/Likely benign. Review status: criteria provided, multiple submitters, no conflicts (2 of 4 stars). 2 submissions from 2 submitters: Benign (1); Likely benign (1). Last evaluated 2025-11-24.

Conditions:
Rubinstein-Taybi syndrome due to EP300 haploinsufficiency. Also called: EP300-Related Rubinstein-Taybi Syndrome; RUBINSTEIN-TAYBI SYNDROME 2. Identifiers: Orphanet 353284, Orphanet 783, MedGen C3150941, MONDO:0013364, OMIM 613684.
EP300-related disorder. Also called: EP300-related condition; EP300-related disorders.

gnomAD v4.1: 6 of 1,614,008 alleles (0.00037%); highest among the groups gnomAD compares: African/African-American, 0.0067%; no homozygotes.

Submissions (2):

PreventionGenetics, part of Exact Sciences
Classification: Likely benign for EP300-related condition. Last evaluated: 2025-11-24. Review status: criteria provided, single submitter. Criteria: ACMG Guidelines, 2015. Collection method: clinical testing. Allele origin: germline.
Comment: This variant is classified as likely benign based on ACMG/AMP sequence variant interpretation guidelines (Richards et al. 2015 PMID: 25741868, with internal and published modifications).

Labcorp Genetics (formerly Invitae), Labcorp
Classification: Benign for Rubinstein-Taybi syndrome due to EP300 haploinsufficiency. Last evaluated: 2022-07-19. Review status: criteria provided, single submitter. Criteria: Invitae Variant Classification Sherloc (09022015). Collection method: clinical testing. Allele origin: germline.